The following is an entry in ClinVar:

NM_022552.5(DNMT3A):c.148C>A (p.Arg50=)

Gene: DNMT3A (DNA methyltransferase 3 alpha; minus strand). Cytogenetic location: 2p23.3.
Variant type: single nucleotide variant.
Coding change: c.148C>A on transcript NM_022552.5 (MANE Select); coding-DNA position 148, C replaced by A.
Protein change: p.Arg50=; no amino-acid change (arginine 50 retained).
Molecular consequence: synonymous variant. On other transcripts: non-coding transcript variant (1).
Genome position (GRCh38, 1-based): chr2:25,300,168, G>T on the plus strand (C>A on the coding strand, the complement: DNMT3A is on the minus strand). VCF-style: chr2-25300168-G-T. GRCh37 (hg19) VCF-style: chr2-25523037-G-T.
Other names: c.148C>A, p.Arg50= (NM_001320892.2, NM_175629.2, NM_175630.1).
Identifiers: ClinVar variation 4999605 (VCV004999605.1).

ClinVar aggregate classification (germline): Likely benign (1 of 4 stars; one submission).

Conditions:
DNMT3A-related disorder. Also called: DNMT3A-related condition; DNMT3A-related disorders.

Submission:

PreventionGenetics, part of Exact Sciences
Classification: Likely benign for DNMT3A-related condition. Last evaluated: 2025-07-18. Review status: criteria provided, single submitter. Criteria: ACMG Guidelines, 2015. Collection method: clinical testing. Allele origin: germline.
Comment: This variant is classified as likely benign based on ACMG/AMP sequence variant interpretation guidelines (Richards et al. 2015 PMID: 25741868, with internal and published modifications).